The following is an entry in ClinVar:

ClinVar aggregate classification (germline): Uncertain significance (1 of 4 stars; one submission).

Allele frequency attached by ClinVar (database versions not stated): gnomAD exomes below 0.00001; TOPMed below 0.00001.
gnomAD v4.1: 1 of 1,507,322 alleles (0.000066%); highest among the groups gnomAD compares: Admixed American, 0.0018%; no homozygotes.

Submission:

Labcorp Genetics (formerly Invitae), Labcorp
Classification: Uncertain significance. Last evaluated: 2022-05-13. Review status: criteria provided, single submitter. Criteria: Invitae Variant Classification Sherloc (09022015). Collection method: clinical testing. Allele origin: germline.
Comment: This sequence change falls in intron 9 of the ORC4 gene. It does not directly change the encoded amino acid sequence of the ORC4 protein. In summary, the available evidence is currently insufficient to determine the role of this variant in disease. Therefore, it has been classified as a Variant of Uncertain Significance. Algorithms developed to predict the effect of sequence changes on RNA splicing suggest that this variant may disrupt the consensus splice site. This variant has not been reported in the literature in individuals affected with ORC4-related conditions. The frequency data for this variant in the population databases is considered unreliable, as metrics indicate poor data quality at this position in the gnomAD database.

NM_181741.4(ORC4):c.763-5T>G

Gene: ORC4 (origin recognition complex subunit 4; minus strand). Cytogenetic location: 2q23.1.
Variant type: single nucleotide variant.
Coding change: c.763-5T>G on transcript NM_181741.4 (MANE Select); 5 bases into the intron before coding-DNA position 763, T replaced by G.
Molecular consequence: intron variant.
Genome position (GRCh38, 1-based): chr2:147,943,527, A>C on the plus strand (T>G on the coding strand, the complement: ORC4 is on the minus strand). VCF-style: chr2-147943527-A-C. GRCh37 (hg19) VCF-style: chr2-148701096-A-C.
Other names: c.763-5T>G (NM_181742.4, NM_001190879.3, NM_002552.5 and 1 more transcripts); c.511-5T>G (NM_001190881.3, NM_001374272.1); c.541-5T>G (NM_001190882.3).
Identifiers: ClinVar variation 1994037 (VCV001994037.4), dbSNP rs1332921904, ClinGen allele CA536624681.
Genomic context (GRCh38, chr2:147,943,527, plus strand): 5'-CTGATATTGAAATGCTTCTGTAGTACTTCTTGCACACTTCTATCTTCTGAGAGATACTAA[A>C]AGGAAAAAAAAAAAAAAAGCCAAAATTGAGGAAAGATGTAGTTTAAAACCTAAATATAAT-3'